The following is an entry in ClinVar:

NM_001142864.4(PIEZO1):c.3637G>C (p.Val1213Leu)

Gene: PIEZO1 (piezo type mechanosensitive ion channel component 1 (Er blood group); minus strand). Cytogenetic location: 16q24.3.
Variant type: single nucleotide variant.
Coding change: c.3637G>C on transcript NM_001142864.4 (MANE Select); coding-DNA position 3637, G replaced by C.
Protein change: p.Val1213Leu; replaces valine 1213 with leucine.
Molecular consequence: missense variant.
Genome position (GRCh38, 1-based): chr16:88,726,777, C>G on the plus strand (G>C on the coding strand, the complement: PIEZO1 is on the minus strand). VCF-style: chr16-88726777-C-G. GRCh37 (hg19) VCF-style: chr16-88793185-C-G.
Other names: c.3637G>C (NM_001142864.2); c.2179G>C, p.Val727Leu (NM_014745.1); short protein forms V1213L, V727L.
Identifiers: ClinVar variation 3237439 (VCV003237439.2), dbSNP rs775972701.

ClinVar aggregate classification (germline): Uncertain significance. Review status: criteria provided, multiple submitters, no conflicts (2 of 4 stars). 2 submissions from 2 submitters: Uncertain significance (2). Last evaluated 2024-12-05.

Conditions:
Lymphatic malformation 6 (LMPHM6). Also called: GENERALIZED LYMPHATIC DYSPLASIA OF FOTIOU; Lymphedema, hereditary, III; PIEZO1-related generalized lymphatic dysplasia with non-immune hydrops fetalis. Identifiers: Orphanet 568062, MedGen C4225184, MONDO:0014797, OMIM 616843.
Inborn genetic diseases. Identifiers: MedGen C0950123, MeSH D030342.

Allele frequency attached by ClinVar (database versions not stated): ExAC 0.00005.
gnomAD v4.1: 22 of 1,550,194 alleles (0.0014%); highest among the groups gnomAD compares: African/African-American, 0.0041%; no homozygotes.

Submissions (2):

Ambry Genetics
Classification: Uncertain significance for Inborn genetic diseases. Last evaluated: 2024-12-05. Review status: criteria provided, single submitter. Criteria: Ambry Variant Classification Scheme 2023. Collection method: clinical testing. Allele origin: germline.

Clinical Genomics Laboratory, Washington University in St. Louis
Classification: Uncertain significance for Lymphatic malformation 6. Last evaluated: 2023-12-01. Review status: criteria provided, single submitter. Criteria: ACMG Guidelines, 2015. Collection method: clinical testing. Allele origin: germline.
Comment: The PIEZO1 c.3637G>C (p.Val1213Leu) variant was identified at a near heterozygous allelic fraction of 50.16%, a frequency which may be consistent with it being of germline origin. This variant, to our knowledge, has not been reported in the medical literature. The variant is only observed on 22/1550194 alleles in the general population (gnomAD v4.0.0), indicating it is not a common variant. Computational predictors suggest that the variant does not impact PIEZO1 function. Due to limited information, and based on ACMG/AMP guidelines for variant interpretation (Richards S et al., PMID: 25741868), the clinical significance of this variant is uncertain at this time.